The following is an entry in ClinVar:

ClinVar aggregate classification (germline): Uncertain significance (1 of 4 stars; one submission).

Conditions:
Purine-nucleoside phosphorylase deficiency. Also called: Immunodeficiency due to purine nucleoside phosphorylase deficiency; NUCLEOSIDE PHOSPHORYLASE DEFICIENCY. Identifiers: Orphanet 760, MedGen C0268125, MONDO:0013171, OMIM 613179.

Submission:

Labcorp Genetics (formerly Invitae), Labcorp
Classification: Uncertain significance for Purine-nucleoside phosphorylase deficiency. Last evaluated: 2022-11-01. Review status: criteria provided, single submitter. Criteria: Invitae Variant Classification Sherloc (09022015). Collection method: clinical testing. Allele origin: germline.
Comment: In summary, the available evidence is currently insufficient to determine the role of this variant in disease. Therefore, it has been classified as a Variant of Uncertain Significance. Advanced modeling of protein sequence and biophysical properties (such as structural, functional, and spatial information, amino acid conservation, physicochemical variation, residue mobility, and thermodynamic stability) performed at Invitae indicates that this missense variant is not expected to disrupt PNP protein function. This variant has not been reported in the literature in individuals affected with PNP-related conditions. This variant is not present in population databases (gnomAD no frequency). This sequence change replaces phenylalanine, which is neutral and non-polar, with leucine, which is neutral and non-polar, at codon 124 of the PNP protein (p.Phe124Leu).

NM_000270.4(PNP):c.370T>C (p.Phe124Leu)

Gene: PNP (purine nucleoside phosphorylase; plus strand). Cytogenetic location: 14q11.2.
Variant type: single nucleotide variant.
Coding change: c.370T>C on transcript NM_000270.4 (MANE Select); coding-DNA position 370, T replaced by C.
Protein change: p.Phe124Leu; replaces phenylalanine 124 with leucine.
Molecular consequence: missense variant.
Genome position (GRCh38, 1-based): chr14:20,474,857, T>C. VCF-style: chr14-20474857-T-C. GRCh37 (hg19) VCF-style: chr14-20943016-T-C.
Other names: short protein forms F124L.
Identifiers: ClinVar variation 2071486 (VCV002071486.4), dbSNP rs2501834211, ClinGen allele CA389145246.
Genomic context (GRCh38, chr14:20,474,857, plus strand): 5'-CACCTTCTGGGTGTGGACACCCTGGTAGTCACCAATGCAGCAGGAGGGCTGAACCCCAAG[T>C]TTGAGGTTGGAGATATCATGCTGATCCGTGACCATATCAACCTACCTGGTTTCAGTGGTC-3'
Protein context (NP_000261.2, residues 114-134): TNAAGGLNPK[Phe124Leu]EVGDIMLIRD